The following is an entry in ClinVar:

NM_001330691.3(CEP78):c.889A>G (p.Ile297Val)

Gene: CEP78 (centrosomal protein 78; plus strand). Cytogenetic location: 9q21.2.
Variant type: single nucleotide variant.
Coding change: c.889A>G on transcript NM_001330691.3 (MANE Select); coding-DNA position 889, A replaced by G.
Protein change: p.Ile297Val; replaces isoleucine 297 with valine.
Molecular consequence: missense variant.
Genome position (GRCh38, 1-based): chr9:78,246,779, A>G. VCF-style: chr9-78246779-A-G. GRCh37 (hg19) VCF-style: chr9-80861695-A-G.
Other names: c.889A>G, p.Ile297Val (NM_001098802.3, NM_001330693.3, NM_001330694.2 and 4 more transcripts); short protein forms I297V.
Identifiers: ClinVar variation 2163994 (VCV002163994.4), dbSNP rs1826510461, ClinGen allele CA373856209.

ClinVar aggregate classification (germline): Uncertain significance (1 of 4 stars; one submission).

Allele frequency attached by ClinVar (database versions not stated): gnomAD exomes below 0.00001.
gnomAD v4.1: 1 of 1,535,544 alleles (0.000065%); highest among the groups gnomAD compares: Non-Finnish European, 0.000089%; no homozygotes.

Submission:

Labcorp Genetics (formerly Invitae), Labcorp
Classification: Uncertain significance. Last evaluated: 2023-11-06. Review status: criteria provided, single submitter. Criteria: Invitae Variant Classification Sherloc (09022015). Collection method: clinical testing. Allele origin: germline.
Comment: This sequence change replaces isoleucine, which is neutral and non-polar, with valine, which is neutral and non-polar, at codon 297 of the CEP78 protein (p.Ile297Val). This variant is not present in population databases (gnomAD no frequency). This variant has not been reported in the literature in individuals affected with CEP78-related conditions. ClinVar contains an entry for this variant (Variation ID: 2163994). Advanced modeling of protein sequence and biophysical properties (such as structural, functional, and spatial information, amino acid conservation, physicochemical variation, residue mobility, and thermodynamic stability) performed at Invitae indicates that this missense variant is not expected to disrupt CEP78 protein function with a negative predictive value of 80%. In summary, the available evidence is currently insufficient to determine the role of this variant in disease. Therefore, it has been classified as a Variant of Uncertain Significance.